The following is an entry in ClinVar:

ClinVar aggregate classification (germline): Pathogenic (1 of 4 stars; one submission).

Submission:

Labcorp Genetics (formerly Invitae), Labcorp
Classification: Pathogenic. Last evaluated: 2023-11-24. Review status: criteria provided, single submitter. Criteria: Invitae Variant Classification Sherloc (09022015). Collection method: clinical testing. Allele origin: unknown.
Comment: This variant is a gross deletion of the genomic region encompassing exon(s) 1-11 of the ADAMTS13 gene, which includes the initiator codon. This deletion extends beyond the assayed region for this gene and therefore may encompass additional genes. It is expected to result in an absent or disrupted protein product. Loss-of-function variants in ADAMTS13 are known to be pathogenic (PMID: 11586351, 12753286, 21781265). This variant has not been reported in the literature in individuals affected with ADAMTS13-related conditions. For these reasons, this variant has been classified as Pathogenic.

Literature cited by the submitters: PubMed 11586351; PubMed 12753286; PubMed 21781265.

NC_000009.11:g.(?_136287564)_(136298844_?)del

Gene: ADAMTS13 (ADAM metallopeptidase with thrombospondin type 1 motif 13; plus strand). Cytogenetic location: 9q34.2.
Variant type: Deletion.
Identifiers: ClinVar variation 3245397 (VCV003245397.1).